The following is an entry in ClinVar:

ClinVar aggregate classification (germline): Uncertain significance. Review status: criteria provided, multiple submitters, no conflicts (2 of 4 stars). 2 submissions from 2 submitters: Uncertain significance (2). Last evaluated 2024-01-30.

Conditions:
Carnitine palmitoyl transferase 1A deficiency. Also called: Carnitine palmitoyltransferase 1A deficiency; CPT deficiency, hepatic, type IA; CPT I DEFICIENCY; CPT DEFICIENCY, HEPATIC, TYPE I; Carnitine palmitoyltransferase type I deficiency. Identifiers: Orphanet 156, MedGen C1829703, MONDO:0009705, OMIM 255120.
Inborn genetic diseases. Identifiers: MedGen C0950123, MeSH D030342.

Allele frequency attached by ClinVar (database versions not stated): ExAC 0.00002; gnomAD 0.00003; gnomAD exomes 0.00005; TOPMed 0.00009.
gnomAD v4.1: 89 of 1,613,814 alleles (0.0055%); highest among the groups gnomAD compares: Non-Finnish European, 0.0065%; no homozygotes.

Submissions (2):

Ambry Genetics
Classification: Uncertain significance for Inborn genetic diseases. Last evaluated: 2024-01-30. Review status: criteria provided, single submitter. Criteria: Ambry Variant Classification Scheme 2023. Collection method: clinical testing. Allele origin: germline.

Labcorp Genetics (formerly Invitae), Labcorp
Classification: Uncertain significance for Carnitine palmitoyl transferase 1A deficiency. Last evaluated: 2022-06-29. Review status: criteria provided, single submitter. Criteria: Invitae Variant Classification Sherloc (09022015). Collection method: clinical testing. Allele origin: germline.
Comment: This sequence change replaces arginine, which is basic and polar, with glutamine, which is neutral and polar, at codon 160 of the CPT1A protein (p.Arg160Gln). This variant is present in population databases (rs758871741, gnomAD 0.005%). This variant has not been reported in the literature in individuals affected with CPT1A-related conditions. Algorithms developed to predict the effect of missense changes on protein structure and function (SIFT, PolyPhen-2, Align-GVGD) all suggest that this variant is likely to be tolerated. In summary, the available evidence is currently insufficient to determine the role of this variant in disease. Therefore, it has been classified as a Variant of Uncertain Significance.

NM_001876.4(CPT1A):c.479G>A (p.Arg160Gln)

Gene: CPT1A (carnitine palmitoyltransferase 1A; minus strand). Cytogenetic location: 11q13.3.
Variant type: single nucleotide variant.
Coding change: c.479G>A on transcript NM_001876.4 (MANE Select); coding-DNA position 479, G replaced by A.
Protein change: p.Arg160Gln; replaces arginine 160 with glutamine.
Molecular consequence: missense variant.
Genome position (GRCh38, 1-based): chr11:68,804,076, C>T on the plus strand (G>A on the coding strand, the complement: CPT1A is on the minus strand). VCF-style: chr11-68804076-C-T. GRCh37 (hg19) VCF-style: chr11-68571544-C-T.
Other names: c.479G>A (NM_001876.3); c.479G>A, p.Arg160Gln (NM_001031847.3); short protein forms R160Q.
Identifiers: ClinVar variation 2083418 (VCV002083418.2), dbSNP rs758871741, ClinGen allele CA6152648.